The following is an entry in ClinVar:

ClinVar aggregate classification (germline): Pathogenic. Review status: reviewed by expert panel (3 of 4 stars). 8 submissions from 8 submitters: Pathogenic (1). 7 of the submissions do not count toward it. Last evaluated 2016-10-18.

Conditions:
Hereditary cancer-predisposing syndrome. Also called: Tumor predisposition; Neoplastic Syndromes, Hereditary; Hereditary Cancer Syndrome; Hereditary neoplastic syndrome. Identifiers: Orphanet 140162, MedGen C0027672, MeSH D009386, MONDO:0015356.
Hereditary breast ovarian cancer syndrome. Also called: Hereditary breast and ovarian cancer syndrome (HBOC); Hereditary breast and ovarian cancer syndrome; Hereditary breast and ovarian cancer; Hereditary breast and/or ovarian cancer syndrome; Breast and ovarian cancer; BRCA1- and BRCA2-Associated Hereditary Breast and Ovarian Cancer. Identifiers: Orphanet 145, MedGen C0677776, MeSH D061325, MONDO:0003582. Disease mechanism: loss of function.
Breast-ovarian cancer, familial, susceptibility to, 1 (BROVCA1). Also called: OVARIAN CANCER, SUSCEPTIBILITY TO; BRCA1 Hereditary Breast and Ovarian Cancer. Identifiers: Orphanet 145, MedGen C2676676, MONDO:0011450, OMIM 604370. Disease mechanism: loss of function.

Submissions (8):

Evidence-based Network for the Interpretation of Germline Mutant Alleles (ENIGMA)
Classification: Pathogenic for Breast-ovarian cancer, familial, susceptibility to, 1. Last evaluated: 2016-10-18. Review status: reviewed by expert panel. Criteria: ENIGMA BRCA1/2 Classification Criteria (2015). Collection method: curation. Allele origin: germline.
Comment: Variant allele predicted to encode a truncated non-functional protein.

Ambry Genetics
Classification: Pathogenic for Hereditary cancer-predisposing syndrome. Last evaluated: 2023-06-22. Review status: criteria provided, single submitter. Criteria: Ambry Variant Classification Scheme 2023. Collection method: clinical testing. Allele origin: germline. Not counted in ClinVar's aggregate classification.
Comment: The p.E577* pathogenic mutation (also known as c.1729G>T), located in coding exon 9 of the BRCA1 gene, results from a G to T substitution at nucleotide position 1729. This changes the amino acid from a glutamic acid to a stop codon within coding exon 9. This alteration has been reported in a cohort of Austrian hereditary breast and/or ovarian cancer families (Kroiss R et al. Hum. Mutat., 2005 Dec;26:583-9), as well as a worldwide study of 29,700 families with BRCA1 or BRCA2 mutations (Rebbeck TR et al. Hum. Mutat., 2018 May;39:593-620). In addition to the clinical data presented in the literature, this alteration is expected to result in loss of function by premature protein truncation or nonsense-mediated mRNA decay. As such, this alteration is interpreted as a disease-causing mutation.

Color Diagnostics, LLC DBA Color Health
Classification: Pathogenic for Hereditary cancer-predisposing syndrome. Last evaluated: 2023-05-17. Review status: criteria provided, single submitter. Criteria: ACMG Guidelines, 2015. Collection method: clinical testing. Allele origin: germline. Not counted in ClinVar's aggregate classification.
Comment: This variant changes 1 nucleotide in exon 10 of the BRCA1 gene, creating a premature translation stop signal. This variant is expected to result in an absent or non-functional protein product. This variant has been reported in a suspected hereditary breast and ovarian cancer family (PMID: 16287141) and has been identified in 9 families among the CIMBA participants (PMID: 29446198). This variant has not been identified in the general population by the Genome Aggregation Database (gnomAD). Loss of BRCA1 function is a known mechanism of disease. Based on the available evidence, this variant is classified as Pathogenic.

Labcorp Genetics (formerly Invitae), Labcorp
Classification: Pathogenic for Hereditary breast ovarian cancer syndrome. Last evaluated: 2022-01-27. Review status: criteria provided, single submitter. Criteria: Invitae Variant Classification Sherloc (09022015). Collection method: clinical testing. Allele origin: germline. Not counted in ClinVar's aggregate classification.
Comment: For these reasons, this variant has been classified as Pathogenic. ClinVar contains an entry for this variant (Variation ID: 54335). This premature translational stop signal has been observed in individual(s) with personal and/or family history of breast and/or ovarian cancer (PMID: 16287141, 29446198). This variant is not present in population databases (gnomAD no frequency). This sequence change creates a premature translational stop signal (p.Glu577*) in the BRCA1 gene. It is expected to result in an absent or disrupted protein product. Loss-of-function variants in BRCA1 are known to be pathogenic (PMID: 20104584).

Women's Health and Genetics/Laboratory Corporation of America, LabCorp
Classification: Pathogenic for Hereditary breast ovarian cancer syndrome. Last evaluated: 2021-01-07. Review status: criteria provided, single submitter. Criteria: LabCorp Variant Classification Summary - May 2015. Collection method: clinical testing. Allele origin: germline. Not counted in ClinVar's aggregate classification.
Comment: Variant summary: BRCA1 c.1729G>T (p.Glu577X) results in a premature termination codon, predicted to cause a truncation of the encoded protein or absence of the protein due to nonsense mediated decay, which are commonly known mechanisms for disease. Truncations downstream of this position have been classified as pathogenic by our laboratory. The variant was absent in 250758 control chromosomes. c.1729G>T has been reported in the literature in individuals affected with Hereditary Breast And Ovarian Cancer Syndrome (example, Rebbeck_2018). These data indicate that the variant may be associated with disease. To our knowledge, no experimental evidence demonstrating an impact on protein function has been reported. Two clinical diagnostic laboratories and one expert panel (ENIGMA) have submitted clinical-significance assessments for this variant to ClinVar after 2014 without evidence for independent evaluation. All submitters classified the variant as pathogenic. Based on the evidence outlined above, the variant was classified as pathogenic.

Consortium of Investigators of Modifiers of BRCA1/2 (CIMBA), c/o University of Cambridge
Classification: Pathogenic for Breast-ovarian cancer, familial, susceptibility to, 1. Last evaluated: 2015-10-02. Review status: criteria provided, single submitter. Criteria: CIMBA Mutation Classification guidelines May 2016. Collection method: clinical testing. Allele origin: germline. Not counted in ClinVar's aggregate classification.

Research Molecular Genetics Laboratory, Women's College Hospital, University of Toronto
Classification: Pathogenic for Hereditary breast ovarian cancer syndrome. Last evaluated: 2014-01-31. Review status: no assertion criteria provided. Collection method: research. Allele origin: germline. Affected: yes. Study: The Canadian Open Genetics Repository (COGR). Not counted in ClinVar's aggregate classification.

Department of Pathology and Laboratory Medicine, Sinai Health System
Classification: Pathogenic for Breast-ovarian cancer, familial, susceptibility to, 1. Review status: no assertion criteria provided. Collection method: clinical testing. Allele origin: unknown. Affected: yes. Study: The Canadian Open Genetics Repository (COGR). Not counted in ClinVar's aggregate classification.
Comment: The variant was also identified in the â€šÃ„ÃºHuman Gene Mutation Databaseâ€šÃ„Ã¹ (HGMD). The p.Glu577X variant leads to a premature stop codon at position 577, which is predicted to lead to a truncated or absent protein and loss of function. Loss of function variants of the BRCA1 gene are an established mechanism of disease in hereditary breast and ovarian cancer and is the type of variant expected to cause the disorder. In summary, based on the above information, this variant meets our laboratoryâ€šÃ„Ã´s criteria to be classified as pathogenic.

Literature cited by the submitters: PubMed 16287141 (cited by 3 submitters); PubMed 25525159 (cited by Ambry Genetics); PubMed 29446198 (cited by 4 submitters); PubMed 20104584 (cited by Labcorp Genetics (formerly Invitae), Labcorp).

NM_007294.4(BRCA1):c.1729G>T (p.Glu577Ter)

Gene: BRCA1 (BRCA1 DNA repair associated; minus strand). Cytogenetic location: 17q21.31.
Variant type: single nucleotide variant.
Coding change: c.1729G>T on transcript NM_007294.4 (MANE Select); coding-DNA position 1729, G replaced by T.
Protein change: p.Glu577Ter; replaces glutamic acid 577 with a stop codon.
Molecular consequence: nonsense. On other transcripts: intron variant (137).
Genome position (GRCh38, 1-based): chr17:43,093,802, C>A on the plus strand (G>T on the coding strand, the complement: BRCA1 is on the minus strand). VCF-style: chr17-43093802-C-A. GRCh37 (hg19) VCF-style: chr17-41245819-C-A.
Other names: 1848G>T; c.1585G>T, p.Glu529Ter (NM_001407745.1, NM_001407746.1, NM_001407747.1 and 20 more transcripts); c.1588G>T, p.Glu530Ter (NM_001407750.1, NM_001407751.1, NM_001407752.1 and 29 more transcripts); c.1516G>T, p.Glu506Ter (NM_001407853.1, NM_001407894.1, NM_001407895.1 and 9 more transcripts); c.1729G>T, p.Glu577Ter (NM_001407854.1, NM_001407858.1, NM_001407859.1 and 30 more transcripts); c.1726G>T, p.Glu576Ter (NM_001407860.1, NM_001407861.1, NM_001407587.1 and 22 more transcripts); c.1528G>T, p.Glu510Ter (NM_001407862.1); c.1606G>T, p.Glu536Ter (NM_001407863.1, NM_001407919.1, NM_001407937.1 and 19 more transcripts); and 41 more; short protein forms E577*, E530*, E409*, E449*, E450*, E506*, E509*, E529*.
Identifiers: ClinVar variation 54335 (VCV000054335.22), dbSNP rs397508903, ClinGen allele CA001133.
Genomic context (GRCh38, chr17:43,093,802, plus strand): 5'-CGAGTTCCATATTGCTTATACTGCTGCTTATAGGTTCAGCTTTCGTTTTGAAAGCAGATT[C>A]TTTTTCGAGTGATTCTATTGGGTTAGGATTTTTCTCATTCTGAATAGAATCACCTTTTGT-3'